The following is an entry in ClinVar:

NM_001368397.1(FRMPD4):c.1624G>T (p.Gly542Trp)

Gene: FRMPD4 (FERM and PDZ domain containing 4; plus strand). Cytogenetic location: Xp22.2.
Variant type: single nucleotide variant.
Coding change: c.1624G>T on transcript NM_001368397.1 (MANE Select); coding-DNA position 1624, G replaced by T.
Protein change: p.Gly542Trp; replaces glycine 542 with tryptophan.
Molecular consequence: missense variant.
Genome position (GRCh38, 1-based): chrX:12,716,083, G>T. VCF-style: chrX-12716083-G-T. GRCh37 (hg19) VCF-style: chrX-12734202-G-T.
Other names: c.1735G>T, p.Gly579Trp (NM_001368395.3, NM_001368398.3); c.1630G>T, p.Gly544Trp (NM_001368396.3); c.1615G>T, p.Gly539Trp (NM_001368399.3); c.1504G>T, p.Gly502Trp (NM_001368400.3); c.1600G>T, p.Gly534Trp (NM_001368401.1, NM_001368402.3); c.1624G>T, p.Gly542Trp (NM_014728.3); short protein forms G502W, G534W, G539W, G542W, G544W, G579W.
Identifiers: ClinVar variation 4082809 (VCV004082809.2).

ClinVar aggregate classification (germline): Uncertain significance (1 of 4 stars; one submission).

gnomAD v4.1: 1 of 1,018,806 alleles (0.000098%); highest among the groups gnomAD compares: Admixed American, 0.0027%; no homozygotes.

Submission:

GeneDx
Classification: Uncertain significance. Last evaluated: 2025-12-20. Review status: criteria provided, single submitter. Criteria: GeneDx Variant Classification Process June 2021. Collection method: clinical testing. Allele origin: germline.
Comment: Not observed at significant frequency in large population cohorts (gnomAD); In silico analysis suggests that this missense variant does not alter protein structure/function; Has not been previously published as pathogenic or benign to our knowledge